The following is an entry in ClinVar:

NC_012920.1(MT-CO3):m.9265G>A

Gene: MT-CO3 (mitochondrially encoded cytochrome c oxidase III; plus strand).
Variant type: single nucleotide variant.
Genome position: chrM-9265-G-A.
Identifiers: ClinVar variation 693133 (VCV000693133.1), dbSNP rs1556423649, ClinGen allele CA414802561.

ClinVar aggregate classification (germline): Uncertain significance (1 of 4 stars; one submission).

Conditions:
Leigh syndrome (NULS). Also called: Leigh's necrotizing encephalopathy; Leigh's disease; Leigh Syndrome (mtDNA deletion); Leigh Disease; Subacute necrotizing encephalopathy; Necrotizing encephalopathy infantile subacute of Leigh. Identifiers: Orphanet 506, MedGen C2931891, MONDO:0009723, OMIM 256000.

Submission:

Wong Mito Lab, Molecular and Human Genetics, Baylor College of Medicine
Classification: Uncertain significance for Leigh syndrome. Last evaluated: 2019-10-17. Review status: criteria provided, single submitter. Criteria: Modified ACMG Guidelines (Unpublished). Collection method: clinical testing. Allele origin: germline.
Comment: The NC_012920.1:m.9265G>A (YP_003024032.1:p.Gly20Glu) variant in MTCO3 gene is interpretated to be a Uncertain Significance variant based on the modified ACMG guidelines (unpublished). This variant meets the following evidence codes: no criteria